The following is an entry in ClinVar:

NM_000051.4(ATM):c.4553A>C (p.His1518Pro)

Gene: ATM (ATM serine/threonine kinase; plus strand). Cytogenetic location: 11q22.3.
Variant type: single nucleotide variant.
Coding change: c.4553A>C on transcript NM_000051.4 (MANE Select); coding-DNA position 4553, A replaced by C.
Protein change: p.His1518Pro; replaces histidine 1518 with proline.
Molecular consequence: missense variant.
Genome position (GRCh38, 1-based): chr11:108,292,735, A>C. VCF-style: chr11-108292735-A-C. GRCh37 (hg19) VCF-style: chr11-108163462-A-C.
Other names: c.4553A>C, p.His1518Pro (NM_001351834.2); short protein forms H1518P.
Identifiers: ClinVar variation 236721 (VCV000236721.22), dbSNP rs762132832, ClinGen allele CA6265490.

ClinVar aggregate classification (germline): Uncertain significance. Review status: criteria provided, multiple submitters, no conflicts (2 of 4 stars). 4 submissions from 4 submitters: Uncertain significance (4). Last evaluated 2025-11-21.

Conditions:
Hereditary cancer-predisposing syndrome. Also called: Tumor predisposition; Hereditary Cancer Syndrome; Hereditary neoplastic syndrome; Neoplastic Syndromes, Hereditary. Identifiers: Orphanet 140162, MedGen C0027672, MeSH D009386, MONDO:0015356.
Ataxia-telangiectasia syndrome (AT). Also called: Ataxia telangiectasia (A-T); LOUIS-BAR SYNDROME; Cerebello-oculocutaneous telangiectasia; Immunodeficiency with ataxia telangiectasia; ATAXIA-TELANGIECTASIA, COMPLEMENTATION GROUP A; ATAXIA-TELANGIECTASIA, FRESNO VARIANT. Identifiers: Orphanet 100, MedGen C0004135, MONDO:0008840, OMIM 208900.

Allele frequency attached by ClinVar (database versions not stated): gnomAD exomes below 0.00001; ExAC 0.00001; gnomAD 0.00001; TOPMed 0.00002.
gnomAD v4.1: 1 of 1,613,862 alleles (0.000062%); highest among the groups gnomAD compares: African/African-American, 0.0013%; no homozygotes.

Submissions (4):

Ambry Genetics
Classification: Uncertain significance for Hereditary cancer-predisposing syndrome. Last evaluated: 2025-11-21. Review status: criteria provided, single submitter. Criteria: Ambry Variant Classification Scheme 2023. Collection method: clinical testing. Allele origin: germline.
Comment: The p.H1518P variant (also known as c.4553A>C), located in coding exon 29 of the ATM gene, results from an A to C substitution at nucleotide position 4553. The histidine at codon 1518 is replaced by proline, an amino acid with similar properties. In an assay testing ATM function, this variant showed a functionally normal result (Lee KS et al. Cell, 2025 Sep;188:5081-5099.e27). This amino acid position is well conserved in available vertebrate species. In addition, the in silico prediction for this alteration is inconclusive. Based on the available evidence, the clinical significance of this variant remains unclear.

Labcorp Genetics (formerly Invitae), Labcorp
Classification: Uncertain significance for Ataxia-telangiectasia syndrome. Last evaluated: 2025-11-10. Review status: criteria provided, single submitter. Criteria: Invitae Variant Classification Sherloc (09022015). Collection method: clinical testing. Allele origin: germline.
Comment: This sequence change replaces histidine, which is basic and polar, with proline, which is neutral and non-polar, at codon 1518 of the ATM protein (p.His1518Pro). This variant is present in population databases (rs762132832, gnomAD 0.007%). This variant has not been reported in the literature in individuals affected with ATM-related conditions. ClinVar contains an entry for this variant (Variation ID: 236721). Invitae Evidence Modeling of protein sequence and biophysical properties (such as structural, functional, and spatial information, amino acid conservation, physicochemical variation, residue mobility, and thermodynamic stability) indicates that this missense variant is not expected to disrupt ATM protein function with a negative predictive value of 95%. In summary, the available evidence is currently insufficient to determine the role of this variant in disease. Therefore, it has been classified as a Variant of Uncertain Significance.

Color Diagnostics, LLC DBA Color Health
Classification: Uncertain significance for Hereditary cancer-predisposing syndrome. Last evaluated: 2023-12-04. Review status: criteria provided, single submitter. Criteria: ACMG Guidelines, 2015. Collection method: clinical testing. Allele origin: germline.
Comment: This missense variant replaces histidine with proline at codon 1518 of the ATM protein. Computational prediction suggests that this variant may not impact protein structure and function (internally defined REVEL score threshold <= 0.5, PMID: 27666373). To our knowledge, functional studies have not been reported for this variant. This variant has not been reported in individuals affected with ATM-related disorders in the literature. This variant has been identified in 1/251366 chromosomes in the general population by the Genome Aggregation Database (gnomAD). The available evidence is insufficient to determine the role of this variant in disease conclusively. Therefore, this variant is classified as a Variant of Uncertain Significance.

GeneDx
Classification: Uncertain significance. Last evaluated: 2019-04-11. Review status: criteria provided, single submitter. Criteria: GeneDx Variant Classification Process June 2021. Collection method: clinical testing. Allele origin: germline. Affected: yes.
Comment: Not observed at a significant frequency in large population cohorts (Lek et al., 2016); Has not been previously published as pathogenic or benign to our knowledge

Literature cited by the submitters: PubMed 40580951 (cited by Ambry Genetics).